The following is an entry in ClinVar:

ClinVar aggregate classification (germline): Uncertain significance (1 of 4 stars; one submission).

Allele frequency attached by ClinVar (database versions not stated): gnomAD 0.00004; TOPMed 0.00005; ExAC 0.00008; ESP Exome Variant Server 0.00008.
gnomAD v4.1: 62 of 1,614,036 alleles (0.0038%); highest among the groups gnomAD compares: Middle Eastern, 0.049%; no homozygotes.

Submission:

Labcorp Genetics (formerly Invitae), Labcorp
Classification: Uncertain significance. Last evaluated: 2023-02-22. Review status: criteria provided, single submitter. Criteria: Invitae Variant Classification Sherloc (09022015). Collection method: clinical testing. Allele origin: germline.
Comment: In summary, the available evidence is currently insufficient to determine the role of this variant in disease. Therefore, it has been classified as a Variant of Uncertain Significance. An algorithm developed to predict the effect of missense changes on protein structure and function (PolyPhen-2) suggests that this variant is likely to be disruptive. This variant has not been reported in the literature in individuals affected with PLTP-related conditions. This variant is present in population databases (rs148188588, gnomAD 0.02%). This sequence change replaces arginine, which is basic and polar, with cysteine, which is neutral and slightly polar, at codon 372 of the PLTP protein (p.Arg372Cys).

NM_006227.4(PLTP):c.1114C>T (p.Arg372Cys)

Gene: PLTP (phospholipid transfer protein; minus strand). Cytogenetic location: 20q13.12.
Variant type: single nucleotide variant.
Coding change: c.1114C>T on transcript NM_006227.4 (MANE Select); coding-DNA position 1114, C replaced by T.
Protein change: p.Arg372Cys; replaces arginine 372 with cysteine.
Molecular consequence: missense variant.
Genome position (GRCh38, 1-based): chr20:45,902,328, G>A on the plus strand (C>T on the coding strand, the complement: PLTP is on the minus strand). VCF-style: chr20-45902328-G-A. GRCh37 (hg19) VCF-style: chr20-44530967-G-A.
Other names: c.829C>T, p.Arg277Cys (NM_001242920.2); c.850C>T, p.Arg284Cys (NM_001242921.1); c.958C>T, p.Arg320Cys (NM_182676.3); short protein forms R372C, R284C, R277C, R320C.
Identifiers: ClinVar variation 2199749 (VCV002199749.4), dbSNP rs148188588, ClinGen allele CA9883607.